The following is an entry in ClinVar:

NM_001182.5(ALDH7A1):c.650+18T>C

Gene: ALDH7A1 (aldehyde dehydrogenase 7 family member A1; minus strand). Cytogenetic location: 5q23.2.
Variant type: single nucleotide variant.
Coding change: c.650+18T>C on transcript NM_001182.5 (MANE Select); 18 bases into the intron after coding-DNA position 650, T replaced by C.
Molecular consequence: intron variant.
Genome position (GRCh38, 1-based): chr5:126,577,061, A>G on the plus strand (T>C on the coding strand, the complement: ALDH7A1 is on the minus strand). VCF-style: chr5-126577061-A-G. GRCh37 (hg19) VCF-style: chr5-125912753-A-G.
Other names: c.650+18T>C (NM_001202404.2); c.566+18T>C (NM_001201377.2).
Identifiers: ClinVar variation 386257 (VCV000386257.9), dbSNP rs570318899, ClinGen allele CA3389713.

ClinVar aggregate classification (germline): Likely benign. Review status: criteria provided, multiple submitters, no conflicts (2 of 4 stars). 3 submissions from 3 submitters: Likely benign (3). Last evaluated 2025-12-01.

Conditions:
Pyridoxine-dependent epilepsy (EPEO4). Also called: Pyridoxine-Dependent Epilepsy - ALDH7A1; EPILEPSY, EARLY-ONSET, 4, VITAMIN B6-DEPENDENT; Pyridoxine-Dependent Seizures; PYRIDOXINE DEPENDENCY WITH SEIZURES. Identifiers: Orphanet 3006, MedGen C1849508, MONDO:0009945, OMIM 266100. Disease mechanism: loss of function.

Allele frequency attached by ClinVar (database versions not stated): TOPMed 0.00003; 1000 Genomes Project 0.00020; gnomAD exomes 0.00002; ExAC 0.00002; gnomAD 0.00003; 1000 Genomes Project 30x 0.00031.

Submissions (3):

Labcorp Genetics (formerly Invitae), Labcorp
Classification: Likely benign for Pyridoxine-dependent epilepsy. Last evaluated: 2025-12-01. Review status: criteria provided, single submitter. Criteria: Invitae Variant Classification Sherloc (09022015). Collection method: clinical testing. Allele origin: germline.

Genome-Nilou Lab
Classification: Likely benign for Pyridoxine-dependent epilepsy. Last evaluated: 2023-04-11. Review status: criteria provided, single submitter. Criteria: ACMG Guidelines, 2015. Collection method: clinical testing. Allele origin: germline. Affected: no.

GeneDx
Classification: Likely benign. Last evaluated: 2018-03-16. Review status: criteria provided, single submitter. Criteria: GeneDx Variant Classification (06012015). Collection method: clinical testing. Allele origin: germline. Affected: yes.
Comment: This variant is considered likely benign or benign based on one or more of the following criteria: it is a conservative change, it occurs at a poorly conserved position in the protein, it is predicted to be benign by multiple in silico algorithms, and/or has population frequency not consistent with disease.